The following is an entry in ClinVar:

ClinVar aggregate classification (germline): Uncertain significance (1 of 4 stars; one submission).

Allele frequency attached by ClinVar (database versions not stated): ExAC 0.00001; gnomAD exomes 0.00001 and 0.00004; gnomAD 0.00007 and 0.00008; TOPMed 0.00013.

Submission:

Labcorp Genetics (formerly Invitae), Labcorp
Classification: Uncertain significance. Last evaluated: 2021-06-30. Review status: criteria provided, single submitter. Criteria: Invitae Variant Classification Sherloc (09022015). Collection method: clinical testing. Allele origin: germline.
Comment: Algorithms developed to predict the effect of missense changes on protein structure and function are either unavailable or do not agree on the potential impact of this missense change (SIFT: "Deleterious"; PolyPhen-2: "Benign"; Align-GVGD: "Class C0"). This sequence change replaces arginine with glutamine at codon 240 of the DNAJC21 protein (p.Arg240Gln). The arginine residue is highly conserved and there is a small physicochemical difference between arginine and glutamine. This variant is present in population databases (rs754922233, ExAC 0.01%). This variant has not been reported in the literature in individuals affected with DNAJC21-related conditions. In summary, the available evidence is currently insufficient to determine the role of this variant in disease. Therefore, it has been classified as a Variant of Uncertain Significance.

NM_001012339.3(DNAJC21):c.719G>A (p.Arg240Gln)

Gene: DNAJC21 (DnaJ heat shock protein family (Hsp40) member C21; plus strand). Cytogenetic location: 5p13.2.
Variant type: single nucleotide variant.
Coding change: c.719G>A on transcript NM_001012339.3 (MANE Select); coding-DNA position 719, G replaced by A.
Protein change: p.Arg240Gln; replaces arginine 240 with glutamine.
Molecular consequence: missense variant.
Genome position (GRCh38, 1-based): chr5:34,937,606, G>A. VCF-style: chr5-34937606-G-A. GRCh37 (hg19) VCF-style: chr5-34937711-G-A.
Other names: c.719G>A, p.Arg240Gln (NM_001348420.2, NM_194283.4); short protein forms R240Q.
Identifiers: ClinVar variation 1486516 (VCV001486516.7), dbSNP rs754922233, ClinGen allele CA3228532.